The following is an entry in ClinVar:

NM_000090.4(COL3A1):c.2980C>A (p.Pro994Thr)

Gene: COL3A1 (collagen type III alpha 1 chain; plus strand). Cytogenetic location: 2q32.2.
Variant type: single nucleotide variant.
Coding change: c.2980C>A on transcript NM_000090.4 (MANE Select); coding-DNA position 2980, C replaced by A.
Protein change: p.Pro994Thr; replaces proline 994 with threonine.
Molecular consequence: missense variant.
Genome position (GRCh38, 1-based): chr2:189,005,398, C>A. VCF-style: chr2-189005398-C-A. GRCh37 (hg19) VCF-style: chr2-189870124-C-A.
Other names: short protein forms P994T.
Identifiers: ClinVar variation 922468 (VCV000922468.4), dbSNP rs142457159, ClinGen allele CA075762.
Genomic context (GRCh38, chr2:189,005,398, plus strand): 5'-CTTTGTATACAGGGTGAAAGTGGGAAACCAGGAGCTAACGGTCTCAGTGGAGAACGTGGT[C>A]CCCCTGGACCCCAGGGTCTTCCTGGTCTGGCTGGTACAGCTGGTGAACCTGGAAGAGATG-3'
Protein context (NP_000081.2, residues 984-1004): GANGLSGERG[Pro994Thr]PGPQGLPGLA

ClinVar aggregate classification (germline): Uncertain significance (1 of 4 stars; one submission).

Conditions:
Familial thoracic aortic aneurysm and aortic dissection (TAAD). Also called: Thoracic aortic aneurysms and dissections. Identifiers: Orphanet 91387, MedGen C4707243, MONDO:0019625.

gnomAD v4.1: 1 of 1,614,016 alleles (0.000062%); highest among the groups gnomAD compares: South Asian, 0.0011%; no homozygotes.

Submission:

Color Diagnostics, LLC DBA Color Health
Classification: Uncertain significance for Familial thoracic aortic aneurysm and aortic dissection. Last evaluated: 2023-12-04. Review status: criteria provided, single submitter. Criteria: ACMG Guidelines, 2015. Collection method: clinical testing. Allele origin: germline.
Comment: This missense variant replaces proline with threonine at codon 994 of the COL3A1 protein. Computational prediction is inconclusive regarding the impact of this variant on protein structure and function (internally defined REVEL score threshold 0.5 < inconclusive < 0.7, PMID: 27666373). To our knowledge, functional studies have not been reported for this variant. This variant has not been reported in individuals affected with COL3A1-related disorders in the literature. This variant has been identified in 1/251440 chromosomes in the general population by the Genome Aggregation Database (gnomAD). The available evidence is insufficient to determine the role of this variant in disease conclusively. Therefore, this variant is classified as a Variant of Uncertain Significance.